The following is an entry in ClinVar:

NM_024596.5(MCPH1):c.1156C>T (p.Gln386Ter)

Gene: MCPH1 (microcephalin 1; plus strand). Cytogenetic location: 8p23.1.
Variant type: single nucleotide variant.
Coding change: c.1156C>T on transcript NM_024596.5 (MANE Select); coding-DNA position 1156, C replaced by T.
Protein change: p.Gln386Ter; replaces glutamine 386 with a stop codon.
Molecular consequence: nonsense. On other transcripts: non-coding transcript variant (1).
Genome position (GRCh38, 1-based): chr8:6,444,878, C>T. VCF-style: chr8-6444878-C-T. GRCh37 (hg19) VCF-style: chr8-6302399-C-T.
Other names: c.1156C>T, p.Gln386Ter (NM_001172574.2, NM_001322042.2, NM_001363979.1 and 3 more transcripts); c.1012C>T, p.Gln338Ter (NM_001172575.2); c.1150C>T, p.Gln384Ter (NM_001322043.2); c.1054C>T, p.Gln352Ter (NM_001322045.2); short protein forms Q384*, Q386*, Q338*, Q352*.
Identifiers: ClinVar variation 2794044 (VCV002794044.6), dbSNP rs2486145830, ClinGen allele CA370221011.

ClinVar aggregate classification (germline): Pathogenic/Likely pathogenic. Review status: criteria provided, multiple submitters, no conflicts (2 of 4 stars). 3 submissions from 3 submitters: Pathogenic (1); Likely pathogenic (2). Last evaluated 2026-05-05.

Conditions:
Microcephaly 1, primary, autosomal recessive (MCPH1). Also called: PREMATURE CHROMOSOME CONDENSATION SYNDROME; PCC SYNDROME; PREMATURE CHROMOSOME CONDENSATION WITH MICROCEPHALY AND MENTAL RETARDATION. Identifiers: Orphanet 2512, MedGen C1855081, MONDO:0009617, OMIM 251200.

Submissions (3):

Myriad Genetics, Inc.
Classification: Likely pathogenic for Microcephaly 1, primary, autosomal recessive. Last evaluated: 2026-05-05. Review status: criteria provided, single submitter. Criteria: Myriad Autosomal Dominant, Autosomal Recessive and X-Linked Classification Criteria (2023). Collection method: clinical testing. Allele origin: unknown.
Comment: NM_024596.3(MCPH1):c.1156C>T(Q386*) is a nonsense variant classified as likely pathogenic in the context of primary microcephaly, MCPH1-related. Q386* has not been observed in cases with relevant disease. Relevant functional assessments of this variant are not available in the literature. Q386* has not been observed in referenced population frequency databases. In summary, NM_024596.3(MCPH1):c.1156C>T(Q386*) is a nonsense variant in a gene where loss of function is a known mechanism of disease and is predicted to disrupt protein function. Please note: this variant was assessed in the context of healthy population screening.

Dasa
Classification: Likely pathogenic for Microcephaly 1, primary, autosomal recessive. Last evaluated: 2025-10-17. Review status: criteria provided, single submitter. Criteria: DASA Assertion Criteria. Collection method: clinical testing. Allele origin: germline.
Comment: NM_024596.5(MCPH1):c.1156C>T (p.Gln386*) is a nonsense variant in MCPH1 predicted to introduce a premature termination codon and is predicted to result in an absent or altered protein product. Loss of function is an established disease mechanism for MCPH1-associated disorders. Also, this variant is absent from population databases. Based on the currently available evidence, this variant is classified as likely pathogenic.

Labcorp Genetics (formerly Invitae), Labcorp
Classification: Pathogenic. Last evaluated: 2023-11-20. Review status: criteria provided, single submitter. Criteria: Invitae Variant Classification Sherloc (09022015). Collection method: clinical testing. Allele origin: germline.
Comment: This sequence change creates a premature translational stop signal (p.Gln386*) in the MCPH1 gene. It is expected to result in an absent or disrupted protein product. Loss-of-function variants in MCPH1 are known to be pathogenic (PMID: 20978018). This variant is not present in population databases (gnomAD no frequency). This variant has not been reported in the literature in individuals affected with MCPH1-related conditions. For these reasons, this variant has been classified as Pathogenic.

Literature cited by the submitters: PubMed 20978018 (cited by Labcorp Genetics (formerly Invitae), Labcorp).